The following is an entry in ClinVar:

ClinVar aggregate classification (germline): Pathogenic. Review status: criteria provided, multiple submitters, no conflicts (2 of 4 stars). 3 submissions from 3 submitters: Pathogenic (3). Last evaluated 2025-06-01.

Conditions:
Hereditary pheochromocytoma and paraganglioma. Also called: Hereditary Paraganglioma-Pheochromocytoma Syndromes; Hereditary paragangliomas and pheochromocytomas; Hereditary pheochromocytoma-paraganglioma. Identifiers: Orphanet 29072, MedGen C4274332, MONDO:0017366.
Mitochondrial complex II deficiency, nuclear type 1. Also called: SUCCINATE CoQ REDUCTASE DEFICIENCY. Identifiers: Orphanet 3208, MedGen C5700310, MONDO:0100294, OMIM 252011.
Pheochromocytoma/paraganglioma syndrome 5. Also called: Paragangliomas 5; SDHA-Related Hereditary Paraganglioma-Pheochromocytoma Syndrome. Identifiers: Orphanet 29072, MedGen C3279992, MONDO:0013602, OMIM 614165.
Hereditary cancer-predisposing syndrome. Also called: Neoplastic Syndromes, Hereditary; Tumor predisposition; Hereditary neoplastic syndrome; Hereditary Cancer Syndrome. Identifiers: Orphanet 140162, MedGen C0027672, MeSH D009386, MONDO:0015356.

Allele frequency attached by ClinVar (database versions not stated): TOPMed below 0.00001; gnomAD 0.00001.
gnomAD v4.1: 1 of 1,611,626 alleles (0.000062%); highest among the groups gnomAD compares: Non-Finnish European, 0.000085%; no homozygotes.

Submissions (3):

Labcorp Genetics (formerly Invitae), Labcorp
Classification: Pathogenic for Pheochromocytoma/paraganglioma syndrome 5; Mitochondrial complex II deficiency, nuclear type 1. Last evaluated: 2025-06-01. Review status: criteria provided, single submitter. Criteria: Invitae Variant Classification Sherloc (09022015). Collection method: clinical testing. Allele origin: germline.
Comment: This sequence change creates a premature translational stop signal (p.Tyr543*) in the SDHA gene. It is expected to result in an absent or disrupted protein product. Loss-of-function variants in SDHA are known to be pathogenic (PMID: 22974104, 24781757). This variant is not present in population databases (gnomAD no frequency). This variant has not been reported in the literature in individuals affected with SDHA-related conditions. ClinVar contains an entry for this variant (Variation ID: 539643). Algorithms developed to predict the effect of sequence changes on RNA splicing suggest that this variant may disrupt the consensus splice site. For these reasons, this variant has been classified as Pathogenic.

Ambry Genetics
Classification: Pathogenic for Hereditary cancer-predisposing syndrome. Last evaluated: 2024-03-13. Review status: criteria provided, single submitter. Criteria: Ambry Variant Classification Scheme 2023. Collection method: clinical testing. Allele origin: germline.
Comment: The p.Y543* pathogenic mutation (also known as c.1629T>G), located in coding exon 12 of the SDHA gene, results from a T to G substitution at nucleotide position 1629. This changes the amino acid from a tyrosine to a stop codon within coding exon 12. This variant is considered to be rare based on population cohorts in the Genome Aggregation Database (gnomAD). This alteration is expected to result in loss of function by premature protein truncation or nonsense-mediated mRNA decay. As such, this alteration is interpreted as a disease-causing mutation.

Myriad Genetics, Inc.
Classification: Pathogenic for Pheochromocytoma/paraganglioma syndrome 5. Last evaluated: 2024-02-08. Review status: criteria provided, single submitter. Criteria: Myriad Autosomal Dominant, Autosomal Recessive and X-Linked Classification Criteria (2023). Collection method: clinical testing. Allele origin: unknown.
Comment: This variant is considered pathogenic. This variant creates a termination codon and is predicted to result in premature protein truncation.

Literature cited by the submitters: PubMed 22974104 (cited by Labcorp Genetics (formerly Invitae), Labcorp); PubMed 24781757 (cited by Labcorp Genetics (formerly Invitae), Labcorp).

NM_004168.4(SDHA):c.1629T>G (p.Tyr543Ter)

Gene: SDHA (succinate dehydrogenase complex flavoprotein subunit A; plus strand). Cytogenetic location: 5p15.33.
Variant type: single nucleotide variant.
Coding change: c.1629T>G on transcript NM_004168.4 (MANE Select); coding-DNA position 1629, T replaced by G.
Protein change: p.Tyr543Ter; replaces tyrosine 543 with a stop codon.
Molecular consequence: nonsense. On other transcripts: intron variant (1).
Genome position (GRCh38, 1-based): chr5:251,069, T>G. VCF-style: chr5-251069-T-G. GRCh37 (hg19) VCF-style: chr5-251184-T-G.
Other names: c.1629T>G (NM_004168.2); c.1485T>G, p.Tyr495Ter (NM_001294332.2); c.1552-3324T>G (NM_001330758.2); short protein forms Y543*, Y495*.
Identifiers: ClinVar variation 539643 (VCV000539643.10), dbSNP rs747249998, ClinGen allele CA358998711.